The following is an entry in ClinVar:

ClinVar aggregate classification (germline): Likely benign (1 of 4 stars; one submission).

Submission:

CeGaT Center for Human Genetics Tuebingen
Classification: Likely benign. Last evaluated: 2022-07-01. Review status: criteria provided, single submitter. Criteria: CeGaT Center For Human Genetics Tuebingen Variant Classification Criteria Version 2. Collection method: clinical testing. Allele origin: germline. Affected: yes. Observed: 1 variant allele.
Comment: SCN1A: PM2:Supporting, BP4, BP7

NM_001165963.4(SCN1A):c.4497T>C (p.Phe1499=)

Genes: SCN1A (sodium voltage-gated channel alpha subunit 1; minus strand), LOC102724058 (uncharacterized LOC102724058; plus strand). Cytogenetic location: 2q24.3.
Variant type: single nucleotide variant.
Coding change: c.4497T>C on transcript NM_001165963.4 (MANE Select); coding-DNA position 4497, T replaced by C.
Protein change: p.Phe1499=; no amino-acid change (phenylalanine 1499 retained).
Molecular consequence: synonymous variant. On other transcripts: non-coding transcript variant (1).
Genome position (GRCh38, 1-based): chr2:165,996,097, A>G on the plus strand (T>C on the coding strand, the complement: SCN1A is on the minus strand). VCF-style: chr2-165996097-A-G. GRCh37 (hg19) VCF-style: chr2-166852607-A-G.
Other names: c.4413T>C, p.Phe1471= (NM_001165964.3, NM_001353957.2, NM_001353958.2); c.4497T>C, p.Phe1499= (NM_001202435.3, NM_001353948.2); c.4464T>C, p.Phe1488= (NM_001353949.2, NM_001353950.2, NM_001353951.2 and 2 more transcripts); c.4461T>C, p.Phe1487= (NM_001353954.2, NM_001353955.2); c.4410T>C, p.Phe1470= (NM_001353960.2); c.2055T>C, p.Phe685= (NM_001353961.2).
Identifiers: ClinVar variation 1701392 (VCV001701392.31), dbSNP rs2105462579, ClinGen allele CA429892726.